The following is an entry in ClinVar:

ClinVar aggregate classification (germline): Uncertain significance (1 of 4 stars; one submission).

Conditions:
Arrhythmogenic cardiomyopathy with wooly hair and keratoderma. Also called: Carvajal syndrome; Arrhythmogenic cardiomyopathy with woolly hair and keratoderma; PALMOPLANTAR KERATODERMA WITH LEFT VENTRICULAR CARDIOMYOPATHY AND WOOLLY HAIR; Dilated cardiomyopathy with woolly hair and keratoderma. Identifiers: Orphanet 65282, MedGen C1854063, MONDO:0011581, OMIM 605676.
Arrhythmogenic right ventricular dysplasia 8 (ARVD8). Also called: ARRHYTHMOGENIC RIGHT VENTRICULAR DYSPLASIA, FAMILIAL, 8; Arrhythmogenic Right Ventricular Dysplasia/Cardiomyopathy 8; ARRHYTHMOGENIC RIGHT VENTRICULAR CARDIOMYOPATHY 8. Identifiers: MedGen C1843896, MONDO:0011831, OMIM 607450.

Allele frequency attached by ClinVar (database versions not stated): TOPMed below 0.00001.
gnomAD v4.1: 1 of 1,614,162 alleles (0.000062%); highest among the groups gnomAD compares: Non-Finnish European, 0.000085%; no homozygotes.

Submission:

Labcorp Genetics (formerly Invitae), Labcorp
Classification: Uncertain significance for Arrhythmogenic cardiomyopathy with wooly hair and keratoderma; Arrhythmogenic right ventricular dysplasia 8. Last evaluated: 2021-11-24. Review status: criteria provided, single submitter. Criteria: Invitae Variant Classification Sherloc (09022015). Collection method: clinical testing. Allele origin: germline.
Comment: In summary, the available evidence is currently insufficient to determine the role of this variant in disease. Therefore, it has been classified as a Variant of Uncertain Significance. Algorithms developed to predict the effect of missense changes on protein structure and function are either unavailable or do not agree on the potential impact of this missense change (SIFT: "Deleterious"; PolyPhen-2: "Benign"; Align-GVGD: "Class C0"). This variant has not been reported in the literature in individuals affected with DSP-related conditions. This variant is not present in population databases (gnomAD no frequency). This sequence change replaces serine, which is neutral and polar, with phenylalanine, which is neutral and non-polar, at codon 2585 of the DSP protein (p.Ser2585Phe).

NM_004415.4(DSP):c.7754C>T (p.Ser2585Phe)

Gene: DSP (desmoplakin; plus strand). Cytogenetic location: 6p24.3.
Variant type: single nucleotide variant.
Coding change: c.7754C>T on transcript NM_004415.4 (MANE Select); coding-DNA position 7754, C replaced by T.
Protein change: p.Ser2585Phe; replaces serine 2585 with phenylalanine.
Molecular consequence: missense variant.
Genome position (GRCh38, 1-based): chr6:7,585,016, C>T. VCF-style: chr6-7585016-C-T. GRCh37 (hg19) VCF-style: chr6-7585249-C-T.
Other names: c.5957C>T, p.Ser1986Phe (NM_001008844.3); c.6425C>T, p.Ser2142Phe (NM_001319034.2); short protein forms S2585F, S1986F, S2142F.
Identifiers: ClinVar variation 1501331 (VCV001501331.6), dbSNP rs1018344778, ClinGen allele CA133976559.
Genomic context (GRCh38, chr6:7,585,016, plus strand): 5'-ATGGTGTCGGCACCAGCAGCAGCATGGGCAGTGGTGTCAGCGATGATGTTTTTAGCAGCT[C>T]CCGACATGAATCAGTAAGTAAGATTTCCACCATATCCAGCGTCAGGAATTTAACCATAAG-3'
Protein context (NP_004406.2, residues 2575-2595): SGVSDDVFSS[Ser2585Phe]RHESVSKIST